The following is an entry in ClinVar:

ClinVar aggregate classification (germline): Uncertain significance (1 of 4 stars; one submission).

gnomAD v4.1: 1 of 1,614,026 alleles (0.000062%); highest among the groups gnomAD compares: African/African-American, 0.0013%; no homozygotes.

Submission:

Ambry Genetics
Classification: Uncertain significance. Last evaluated: 2025-10-10. Review status: criteria provided, single submitter. Criteria: Ambry Variant Classification Scheme 2023. Collection method: clinical testing. Allele origin: germline.
Comment: The p.Q769P variant (also known as c.2306A>C), located in coding exon 1 of the TET2 gene, results from an A to C substitution at nucleotide position 2306. The glutamine at codon 769 is replaced by proline, an amino acid with similar properties. This amino acid position is conserved. In addition, this alteration is predicted to be tolerated by in silico analysis. Based on the available evidence, the clinical significance of this variant remains unclear.

NM_001127208.3(TET2):c.2306A>C (p.Gln769Pro)

Genes: TET2 (tet methylcytosine dioxygenase 2; plus strand), TET2-AS1 (TET2 antisense RNA 1; minus strand). Cytogenetic location: 4q24.
Variant type: single nucleotide variant.
Coding change: c.2306A>C on transcript NM_001127208.3 (MANE Select); coding-DNA position 2306, A replaced by C.
Protein change: p.Gln769Pro; replaces glutamine 769 with proline.
Molecular consequence: missense variant.
Genome position (GRCh38, 1-based): chr4:105,236,248, A>C. VCF-style: chr4-105236248-A-C. GRCh37 (hg19) VCF-style: chr4-106157405-A-C.
Other names: c.2306A>C, p.Gln769Pro (NM_017628.4); short protein forms Q769P.
Identifiers: ClinVar variation 4594148 (VCV004594148.1).